The following is an entry in ClinVar:

ClinVar aggregate classification (germline): Uncertain significance (1 of 4 stars; one submission).

Submission:

Labcorp Genetics (formerly Invitae), Labcorp
Classification: Uncertain significance. Last evaluated: 2024-02-06. Review status: criteria provided, single submitter. Criteria: Invitae Variant Classification Sherloc (09022015). Collection method: clinical testing. Allele origin: germline.
Comment: This sequence change replaces lysine, which is basic and polar, with arginine, which is basic and polar, at codon 272 of the LRP5 protein (p.Lys272Arg). This variant is not present in population databases (gnomAD no frequency). This variant has not been reported in the literature in individuals affected with LRP5-related conditions. Advanced modeling of protein sequence and biophysical properties (such as structural, functional, and spatial information, amino acid conservation, physicochemical variation, residue mobility, and thermodynamic stability) performed at Invitae indicates that this missense variant is not expected to disrupt LRP5 protein function with a negative predictive value of 95%. In summary, the available evidence is currently insufficient to determine the role of this variant in disease. Therefore, it has been classified as a Variant of Uncertain Significance.

NM_002335.4(LRP5):c.815A>G (p.Lys272Arg)

Gene: LRP5 (LDL receptor related protein 5; plus strand). Cytogenetic location: 11q13.2.
Variant type: single nucleotide variant.
Coding change: c.815A>G on transcript NM_002335.4 (MANE Select); coding-DNA position 815, A replaced by G.
Protein change: p.Lys272Arg; replaces lysine 272 with arginine.
Molecular consequence: missense variant. On other transcripts: 5 prime UTR variant (1).
Genome position (GRCh38, 1-based): chr11:68,363,875, A>G. VCF-style: chr11-68363875-A-G. GRCh37 (hg19) VCF-style: chr11-68131343-A-G.
Other names: c.-951A>G (NM_001291902.2); short protein forms K272R.
Identifiers: ClinVar variation 3682229 (VCV003682229.2).